The following is an entry in ClinVar:

ClinVar aggregate classification (germline): Conflicting classifications of pathogenicity. Review status: criteria provided, conflicting classifications (1 of 4 stars). 2 submissions from 2 submitters: Uncertain significance (1); Likely benign (1). Last evaluated 2025-09-20.

Conditions:
Inborn genetic diseases. Identifiers: MedGen C0950123, MeSH D030342.
Congenital myopathy with internal nuclei and atypical cores. Also called: Myopathy, centronuclear, 4. Identifiers: Orphanet 319160, MedGen C4707232, MONDO:0013890, OMIM 614807.

Allele frequency attached by ClinVar (database versions not stated): gnomAD 0.00009; TOPMed 0.00015; ExAC 0.00003; gnomAD exomes 0.00003 and 0.00008.

Submissions (2):

Labcorp Genetics (formerly Invitae), Labcorp
Classification: Uncertain significance for Congenital myopathy with internal nuclei and atypical cores. Last evaluated: 2025-09-20. Review status: criteria provided, single submitter. Criteria: Invitae Variant Classification Sherloc (09022015). Collection method: clinical testing. Allele origin: germline.
Comment: This sequence change replaces glycine, which is neutral and non-polar, with arginine, which is basic and polar, at codon 404 of the CCDC78 protein (p.Gly404Arg). This variant is present in population databases (rs771507948, gnomAD 0.04%), and has an allele count higher than expected for a pathogenic variant. This variant has not been reported in the literature in individuals affected with CCDC78-related conditions. ClinVar contains an entry for this variant (Variation ID: 473250). Invitae Evidence Modeling of protein sequence and biophysical properties (such as structural, functional, and spatial information, amino acid conservation, physicochemical variation, residue mobility, and thermodynamic stability) indicates that this missense variant is not expected to disrupt CCDC78 protein function with a negative predictive value of 80%. In summary, the available evidence is currently insufficient to determine the role of this variant in disease. Therefore, it has been classified as a Variant of Uncertain Significance.

Ambry Genetics
Classification: Likely benign for Inborn genetic diseases. Last evaluated: 2024-06-25. Review status: criteria provided, single submitter. Criteria: Ambry Variant Classification Scheme 2023. Collection method: clinical testing. Allele origin: germline.

NM_001378030.1(CCDC78):c.1214G>A (p.Arg405Gln)

Gene: CCDC78 (coiled-coil domain containing 78; minus strand). Cytogenetic location: 16p13.3.
Variant type: single nucleotide variant.
Coding change: c.1214G>A on transcript NM_001378030.1 (MANE Select); coding-DNA position 1214, G replaced by A.
Protein change: p.Arg405Gln; replaces arginine 405 with glutamine.
Molecular consequence: missense variant. On other transcripts: non-coding transcript variant (5).
Genome position (GRCh38, 1-based): chr16:723,009, C>T on the plus strand (G>A on the coding strand, the complement: CCDC78 is on the minus strand). VCF-style: chr16-723009-C-T. GRCh37 (hg19) VCF-style: chr16-773009-C-T.
Other names: c.1210G>A, p.Gly404Arg (NM_001031737.3); c.1034G>A, p.Arg345Gln (NM_001378031.1); c.647G>A, p.Arg216Gln (NM_001378033.1); short protein forms G404R, R216Q, R345Q, R405Q.
Identifiers: ClinVar variation 473250 (VCV000473250.9), dbSNP rs771507948, ClinGen allele CA7789117.